The following is an entry in ClinVar:

NM_001330260.2(SCN8A):c.2585A>G (p.Asn862Ser)

Gene: SCN8A (sodium voltage-gated channel alpha subunit 8; plus strand). Cytogenetic location: 12q13.13.
Variant type: single nucleotide variant.
Coding change: c.2585A>G on transcript NM_001330260.2 (MANE Select); coding-DNA position 2585, A replaced by G.
Protein change: p.Asn862Ser; replaces asparagine 862 with serine.
Molecular consequence: missense variant.
Genome position (GRCh38, 1-based): chr12:51,765,711, A>G. VCF-style: chr12-51765711-A-G. GRCh37 (hg19) VCF-style: chr12-52159495-A-G.
Other names: c.2585A>G, p.Asn862Ser (NM_001177984.3, NM_001369788.1, NM_014191.4); short protein forms N862S.
Identifiers: ClinVar variation 1362904 (VCV001362904.7), dbSNP rs2138862625, ClinGen allele CA384886888.
Genomic context (GRCh38, chr12:51,765,711, plus strand): 5'-TGGGTTTTTTTTTTCCTTAGCTCCGAGTCTTCAAATTGGCCAAATCCTGGCCCACCCTGA[A>G]CATGCTAATCAAGATTATTGGAAATTCAGTGGGTGCCCTGGGCAACCTGACACTGGTGCT-3'
Protein context (NP_001317189.1, residues 852-872): FKLAKSWPTL[Asn862Ser]MLIKIIGNSV

ClinVar aggregate classification (germline): Uncertain significance (1 of 4 stars; one submission).

Conditions:
Early-infantile DEE. Also called: Early infantile epileptic encephalopathy with suppression bursts; Early infantile epileptic encephalopathy; Ohtahara syndrome. Identifiers: Orphanet 1934, MedGen C0393706, MONDO:0800491.

Submission:

Labcorp Genetics (formerly Invitae), Labcorp
Classification: Uncertain significance for Early-infantile DEE. Last evaluated: 2023-07-17. Review status: criteria provided, single submitter. Criteria: Invitae Variant Classification Sherloc (09022015). Collection method: clinical testing. Allele origin: germline.
Comment: This variant has not been reported in the literature in individuals affected with SCN8A-related conditions. In summary, the available evidence is currently insufficient to determine the role of this variant in disease. Therefore, it has been classified as a Variant of Uncertain Significance. Advanced modeling of protein sequence and biophysical properties (such as structural, functional, and spatial information, amino acid conservation, physicochemical variation, residue mobility, and thermodynamic stability) performed at Invitae indicates that this missense variant is expected to disrupt SCN8A protein function. ClinVar contains an entry for this variant (Variation ID: 1362904). This variant is not present in population databases (gnomAD no frequency). This sequence change replaces asparagine, which is neutral and polar, with serine, which is neutral and polar, at codon 862 of the SCN8A protein (p.Asn862Ser).